The following is an entry in ClinVar:

NM_000929.3(PLA2G5):c.186-11T>A

Gene: PLA2G5 (phospholipase A2 group V; plus strand). Cytogenetic location: 1p36.13.
Variant type: single nucleotide variant.
Coding change: c.186-11T>A on transcript NM_000929.3 (MANE Select); 11 bases into the intron before coding-DNA position 186, T replaced by A.
Molecular consequence: intron variant.
Genome position (GRCh38, 1-based): chr1:20,089,778, T>A. VCF-style: chr1-20089778-T-A. GRCh37 (hg19) VCF-style: chr1-20416271-T-A.
Identifiers: ClinVar variation 3691626 (VCV003691626.2).

ClinVar aggregate classification (germline): Uncertain significance (1 of 4 stars; one submission).

Submission:

Labcorp Genetics (formerly Invitae), Labcorp
Classification: Uncertain significance. Last evaluated: 2024-05-31. Review status: criteria provided, single submitter. Criteria: Invitae Variant Classification Sherloc (09022015). Collection method: clinical testing. Allele origin: germline.
Comment: This sequence change falls in intron 3 of the PLA2G5 gene. It does not directly change the encoded amino acid sequence of the PLA2G5 protein. This variant is not present in population databases (gnomAD no frequency). This variant has not been reported in the literature in individuals affected with PLA2G5-related conditions. Algorithms developed to predict the effect of sequence changes on RNA splicing suggest that this variant may disrupt the consensus splice site. In summary, the available evidence is currently insufficient to determine the role of this variant in disease. Therefore, it has been classified as a Variant of Uncertain Significance.